The following is an entry in ClinVar:

ClinVar aggregate classification (germline): Uncertain significance (1 of 4 stars; one submission).

Conditions:
Hereditary sensory and autonomic neuropathy type 1 (HSAN1). Also called: HSAN 1; HSN Type I; Hereditary Sensory Neuropathy Type I. Identifiers: Orphanet 36386, MedGen C0020071, MONDO:0018213.

Allele frequency attached by ClinVar (database versions not stated): ExAC 0.00001; gnomAD 0.00001.
gnomAD v4.1: 5 of 1,613,980 alleles (0.00031%); highest among the groups gnomAD compares: East Asian, 0.0067%; no homozygotes.

Submission:

Labcorp Genetics (formerly Invitae), Labcorp
Classification: Uncertain significance for Hereditary sensory and autonomic neuropathy type 1. Last evaluated: 2022-06-14. Review status: criteria provided, single submitter. Criteria: Invitae Variant Classification Sherloc (09022015). Collection method: clinical testing. Allele origin: germline.
Comment: In summary, the available evidence is currently insufficient to determine the role of this variant in disease. Therefore, it has been classified as a Variant of Uncertain Significance. Algorithms developed to predict the effect of missense changes on protein structure and function are either unavailable or do not agree on the potential impact of this missense change (SIFT: "Deleterious"; PolyPhen-2: "Probably Damaging"; Align-GVGD: "Class C0"). This variant has not been reported in the literature in individuals affected with SPTLC1-related conditions. This variant is present in population databases (rs766180659, gnomAD 0.01%). This sequence change replaces arginine, which is basic and polar, with tryptophan, which is neutral and slightly polar, at codon 445 of the SPTLC1 protein (p.Arg445Trp).

NM_006415.4(SPTLC1):c.1333C>T (p.Arg445Trp)

Gene: SPTLC1 (serine palmitoyltransferase long chain base subunit 1; minus strand). Cytogenetic location: 9q22.31.
Variant type: single nucleotide variant.
Coding change: c.1333C>T on transcript NM_006415.4 (MANE Select); coding-DNA position 1333, C replaced by T.
Protein change: p.Arg445Trp; replaces arginine 445 with tryptophan.
Molecular consequence: missense variant. On other transcripts: intron variant (1).
Genome position (GRCh38, 1-based): chr9:92,032,554, G>A on the plus strand (C>T on the coding strand, the complement: SPTLC1 is on the minus strand). VCF-style: chr9-92032554-G-A. GRCh37 (hg19) VCF-style: chr9-94794836-G-A.
Other names: c.967C>T, p.Arg323Trp (NM_001368272.1); c.868C>T, p.Arg290Trp (NM_001368273.1); c.1329-28C>T (NM_001281303.2); short protein forms R290W, R323W, R445W.
Identifiers: ClinVar variation 2428219 (VCV002428219.5), dbSNP rs766180659, ClinGen allele CA5121202.